The following is an entry in ClinVar:

NM_182961.4(SYNE1):c.9807+14C>G

Gene: SYNE1 (spectrin repeat containing nuclear envelope protein 1; minus strand). Cytogenetic location: 6q25.2.
Variant type: single nucleotide variant.
Coding change: c.9807+14C>G on transcript NM_182961.4 (MANE Select); 14 bases into the intron after coding-DNA position 9807, C replaced by G.
Molecular consequence: intron variant.
Genome position (GRCh38, 1-based): chr6:152,368,958, G>C on the plus strand (C>G on the coding strand, the complement: SYNE1 is on the minus strand). VCF-style: chr6-152368958-G-C. GRCh37 (hg19) VCF-style: chr6-152690093-G-C.
Other names: c.9828+14C>G (NM_033071.5).
Identifiers: ClinVar variation 355895 (VCV000355895.13), dbSNP rs182453040, ClinGen allele CA4057202.

ClinVar aggregate classification (germline): Benign/Likely benign. Review status: criteria provided, multiple submitters, no conflicts (2 of 4 stars). 4 submissions from 3 submitters: Benign (2); Likely benign (2). Last evaluated 2025-12-03.

Conditions:
Autosomal recessive ataxia, Beauce type. Also called: SYNE1-Related Autosomal Recessive Cerebellar Ataxia; Spinocerebellar ataxia, autosomal recessive 8; ATAXIA, RECESSIVE, OF BEAUCE; SYNE1 Deficiency. Identifiers: Orphanet 88644, MedGen C1853116, MONDO:0012549, OMIM 610743.
Emery-Dreifuss muscular dystrophy 4, autosomal dominant (EDMD4). Also called: EMERY-DREIFUSS MUSCULAR DYSTROPHY 4 WITH VARIABLE FEATURES. Identifiers: Orphanet 261, MedGen C2751807, MONDO:0013071, OMIM 612998.

Allele frequency attached by ClinVar (database versions not stated): gnomAD 0.00038; TOPMed 0.00073.
gnomAD v4.1: 218 of 1,614,088 alleles (0.014%); highest among the groups gnomAD compares: East Asian, 0.38%; 1 homozygote.

Submissions (4):

Labcorp Genetics (formerly Invitae), Labcorp
Classification: Benign for Emery-Dreifuss muscular dystrophy 4, autosomal dominant; Autosomal recessive ataxia, Beauce type. Last evaluated: 2025-12-03. Review status: criteria provided, single submitter. Criteria: Invitae Variant Classification Sherloc (09022015). Collection method: clinical testing. Allele origin: germline.

Blueprint Genetics
Classification: Likely benign. Last evaluated: 2024-10-28. Review status: criteria provided, single submitter. Criteria: ACMG Guidelines, 2015. Collection method: clinical testing. Allele origin: germline.

Illumina Laboratory Services, Illumina
Classification: Benign for Emery-Dreifuss muscular dystrophy 4, autosomal dominant. Last evaluated: 2018-01-13. Review status: criteria provided, single submitter. Criteria: ICSL Variant Classification Criteria 13 December 2019. Collection method: clinical testing. Allele origin: germline.
Comment: This variant was observed in the ICSL laboratory as part of a predisposition screen in an ostensibly healthy population. It had not been previously curated by ICSL or reported in the Human Gene Mutation Database (HGMD: prior to June 1st, 2018), and was therefore a candidate for classification through an automated scoring system. Utilizing variant allele frequency, disease prevalence and penetrance estimates, and inheritance mode, an automated score was calculated to assess if this variant is too frequent to cause the disease. Based on the score and internal cut-off values, a variant classified as benign is not then subjected to further curation. The score for this variant resulted in a classification of benign for this disease.

Illumina Laboratory Services, Illumina
Classification: Likely benign for Autosomal recessive ataxia, Beauce type. Last evaluated: 2018-01-13. Review status: criteria provided, single submitter. Criteria: ICSL Variant Classification Criteria 13 December 2019. Collection method: clinical testing. Allele origin: germline.
Comment: This variant was observed in the ICSL laboratory as part of a predisposition screen in an ostensibly healthy population. It had not been previously curated by ICSL or reported in the Human Gene Mutation Database (HGMD: prior to June 1st, 2018), and was therefore a candidate for classification through an automated scoring system. Utilizing variant allele frequency, disease prevalence and penetrance estimates, and inheritance mode, an automated score was calculated to assess if this variant is too frequent to cause the disease. Based on the score and internal cut-off values, a variant classified as likely benign is not then subjected to further curation. The score for this variant resulted in a classification of likely benign for this disease.